The following is an entry in ClinVar:

ClinVar aggregate classification (germline): Uncertain significance (1 of 4 stars; one submission).

Conditions:
Familial thoracic aortic aneurysm and aortic dissection (TAAD). Also called: Thoracic aortic aneurysms and dissections. Identifiers: Orphanet 91387, MedGen C4707243, MONDO:0019625.

gnomAD v4.1: 2 of 1,614,064 alleles (0.00012%); highest among the groups gnomAD compares: Admixed American, 0.0033%; no homozygotes.

Submission:

Ambry Genetics
Classification: Uncertain significance for Familial thoracic aortic aneurysm and aortic dissection. Last evaluated: 2024-12-18. Review status: criteria provided, single submitter. Criteria: Ambry Variant Classification Scheme 2023. Collection method: clinical testing. Allele origin: germline.
Comment: The p.D292G variant (also known as c.875A>G), located in coding exon 2 of the SLC2A10 gene, results from an A to G substitution at nucleotide position 875. The aspartic acid at codon 292 is replaced by glycine, an amino acid with similar properties. This amino acid position is highly conserved in available vertebrate species. In addition, this alteration is predicted to be deleterious by in silico analysis. Based on the available evidence, the clinical significance of this variant remains unclear.

NM_030777.4(SLC2A10):c.875A>G (p.Asp292Gly)

Gene: SLC2A10 (solute carrier family 2 member 10; plus strand). Cytogenetic location: 20q13.12.
Variant type: single nucleotide variant.
Coding change: c.875A>G on transcript NM_030777.4 (MANE Select); coding-DNA position 875, A replaced by G.
Protein change: p.Asp292Gly; replaces aspartic acid 292 with glycine.
Molecular consequence: missense variant.
Genome position (GRCh38, 1-based): chr20:46,725,911, A>G. VCF-style: chr20-46725911-A-G. GRCh37 (hg19) VCF-style: chr20-45354550-A-G.
Other names: short protein forms D292G.
Identifiers: ClinVar variation 3797353 (VCV003797353.1).
Genomic context (GRCh38, chr20:46,725,911, plus strand): 5'-CCTCTGTGGGGCTTGGCGCAGTGAAGGTGGCAGCTACCCTGACCGCCATGGGGCTGGTGG[A>G]CCGTGCAGGCCGCAGGGCTCTGTTGCTAGCTGGCTGTGCCCTCATGGCCCTGTCCGTCAG-3'
Protein context (NP_110404.1, residues 282-302): AATLTAMGLV[Asp292Gly]RAGRRALLLA